The following is an entry in ClinVar:

ClinVar aggregate classification (germline): Uncertain significance. Review status: criteria provided, multiple submitters, no conflicts (2 of 4 stars). 4 submissions from 4 submitters: Uncertain significance (4). Last evaluated 2026-01-26.

Conditions:
Inborn genetic diseases. Identifiers: MedGen C0950123, MeSH D030342.
OTOGL-related disorder. Also called: OTOGL-related condition.

Allele frequency attached by ClinVar (database versions not stated): gnomAD exomes 0.00032; TOPMed 0.00037; ESP Exome Variant Server 0.00076.
gnomAD v4.1: 1,013 of 1,594,034 alleles (0.064%); highest among the groups gnomAD compares: Non-Finnish European, 0.08%; no homozygotes.

Submissions (4):

PreventionGenetics, part of Exact Sciences
Classification: Uncertain significance for OTOGL-related condition. Last evaluated: 2026-01-26. Review status: criteria provided, single submitter. Criteria: ACMG Guidelines, 2015. Collection method: clinical testing. Allele origin: germline.
Comment: The OTOGL c.256G>A variant is predicted to result in the amino acid substitution p.Gly86Arg. To our knowledge, this variant has not been reported in the literature. This variant is reported in 0.058% of alleles in individuals of European (Non-Finnish) descent in gnomAD. Although we suspect that this variant may be benign, at this time, the clinical significance of this variant is uncertain due to the absence of conclusive functional and genetic evidence.

GeneDx
Classification: Uncertain significance. Last evaluated: 2026-01-06. Review status: criteria provided, single submitter. Criteria: GeneDx Variant Classification Process June 2021. Collection method: clinical testing. Allele origin: germline. Affected: yes.
Comment: In silico analysis supports that this missense variant has a deleterious effect on protein structure/function; Has not been previously published as pathogenic or benign to our knowledge

Labcorp Genetics (formerly Invitae), Labcorp
Classification: Uncertain significance. Last evaluated: 2025-09-29. Review status: criteria provided, single submitter. Criteria: Invitae Variant Classification Sherloc (09022015). Collection method: clinical testing. Allele origin: germline.
Comment: This sequence change replaces glycine, which is neutral and non-polar, with arginine, which is basic and polar, at codon 86 of the OTOGL protein (p.Gly86Arg). This variant is present in population databases (rs201264433, gnomAD 0.06%). This variant has not been reported in the literature in individuals affected with OTOGL-related conditions. ClinVar contains an entry for this variant (Variation ID: 1335829). An algorithm developed to predict the effect of missense changes on protein structure and function (PolyPhen-2) suggests that this variant is likely to be disruptive. In summary, the available evidence is currently insufficient to determine the role of this variant in disease. Therefore, it has been classified as a Variant of Uncertain Significance.

Ambry Genetics
Classification: Uncertain significance for Inborn genetic diseases. Last evaluated: 2024-11-26. Review status: criteria provided, single submitter. Criteria: Ambry Variant Classification Scheme 2023. Collection method: clinical testing. Allele origin: germline.

NM_001378609.3(OTOGL):c.283G>A (p.Gly95Arg)

Gene: OTOGL (otogelin like; plus strand). Cytogenetic location: 12q21.31.
Variant type: single nucleotide variant.
Coding change: c.283G>A on transcript NM_001378609.3 (MANE Select); coding-DNA position 283, G replaced by A.
Protein change: p.Gly95Arg; replaces glycine 95 with arginine.
Molecular consequence: missense variant.
Genome position (GRCh38, 1-based): chr12:80,219,861, G>A. VCF-style: chr12-80219861-G-A. GRCh37 (hg19) VCF-style: chr12-80613641-G-A.
Other names: c.283G>A, p.Gly95Arg (NM_001368062.3, NM_001378610.3, NM_173591.7); short protein forms G95R.
Identifiers: ClinVar variation 1335829 (VCV001335829.10), dbSNP rs201264433, ClinGen allele CA6700124.
Genomic context (GRCh38, chr12:80,219,861, plus strand): 5'-TTTTCCCCCTCAGGTTCTTGTCCTTATGAATGCCTTAATGGAGCTTTCTGTTCTAAGACT[G>A]GAACATGTGACTGTCAAATATTTCAGGCTCTTGGGACAAGATGCCAGATCAGTAAGTTTC-3'
Protein context (NP_001365538.2, residues 85-105): CLNGAFCSKT[Gly95Arg]TCDCQIFQAL